The following is an entry in ClinVar:

NM_001134363.3(RBM20):c.825A>G (p.Gln275=)

Gene: RBM20 (RNA binding motif protein 20; plus strand). Cytogenetic location: 10q25.2.
Variant type: single nucleotide variant.
Coding change: c.825A>G on transcript NM_001134363.3 (MANE Select); coding-DNA position 825, A replaced by G.
Protein change: p.Gln275=; no amino-acid change (glutamine 275 retained).
Molecular consequence: synonymous variant.
Genome position (GRCh38, 1-based): chr10:110,781,434, A>G. VCF-style: chr10-110781434-A-G. GRCh37 (hg19) VCF-style: chr10-112541192-A-G.
Other names: c.825A>G (NM_001134363.2).
Identifiers: ClinVar variation 1991852 (VCV001991852.6), dbSNP rs1480225078, ClinGen allele CA471506516.
Genomic context (GRCh38, chr10:110,781,434, plus strand): 5'-CTCAACCTCGGGCAGTGTGACCTATGAAGGGCACTACAGCCACACAGGGCAGGATGGTCA[A>G]GCTGCCTTTTCCAAAGATTTTTACGGACCCAACTCCCAAGGTTCACATGTGGCCAGCGGA-3'
Protein context (NP_001127835.2, residues 265-285): GHYSHTGQDG[Gln275=]AAFSKDFYGP

ClinVar aggregate classification (germline): Likely benign. Review status: criteria provided, multiple submitters, no conflicts (2 of 4 stars). 3 submissions from 3 submitters: Likely benign (3). Last evaluated 2026-06-25.

Conditions:
Dilated cardiomyopathy 1DD (CMD1DD). Identifiers: Orphanet 154, MedGen C2750995, MONDO:0013168, OMIM 613172.
Cardiovascular phenotype. Identifiers: MedGen CN230736.

Allele frequency attached by ClinVar (database versions not stated): gnomAD exomes 0.00001.
gnomAD v4.1: 4 of 1,551,614 alleles (0.00026%); highest among the groups gnomAD compares: African/African-American, 0.0014%; no homozygotes.

Submissions (3):

Ambry Genetics
Classification: Likely benign for Cardiovascular phenotype. Last evaluated: 2026-06-25. Review status: criteria provided, single submitter. Criteria: Ambry Variant Classification Scheme 2023. Collection method: clinical testing. Allele origin: germline.

Molecular Diagnostic Laboratory for Inherited Cardiovascular Disease, Montreal Heart Institute
Classification: Likely benign. Last evaluated: 2026-03-27. Review status: criteria provided, single submitter. Criteria: ACMG Guidelines, 2015. Collection method: clinical testing. Allele origin: germline. Affected: no.
Comment: BP7

Labcorp Genetics (formerly Invitae), Labcorp
Classification: Likely benign for Dilated cardiomyopathy 1DD. Last evaluated: 2025-02-19. Review status: criteria provided, single submitter. Criteria: Invitae Variant Classification Sherloc (09022015). Collection method: clinical testing. Allele origin: germline.